The following is an entry in ClinVar:

NM_001080.3(ALDH5A1):c.901A>G (p.Lys301Glu)

Gene: ALDH5A1 (aldehyde dehydrogenase 5 family member A1; plus strand). Cytogenetic location: 6p22.3.
Variant type: single nucleotide variant.
Coding change: c.901A>G on transcript NM_001080.3 (MANE Select); coding-DNA position 901, A replaced by G.
Protein change: p.Lys301Glu; replaces lysine 301 with glutamic acid.
Molecular consequence: missense variant.
Genome position (GRCh38, 1-based): chr6:24,520,431, A>G. VCF-style: chr6-24520431-A-G. GRCh37 (hg19) VCF-style: chr6-24520659-A-G.
Other names: c.757A>G, p.Lys253Glu (NM_001368954.1); c.940A>G, p.Lys314Glu (NM_170740.1); short protein forms K253E, K314E, K301E.
Identifiers: ClinVar variation 1878472 (VCV001878472.3), dbSNP rs2532863262, ClinGen allele CA362974067.

ClinVar aggregate classification (germline): Pathogenic (1 of 4 stars; one submission).

Conditions:
Succinate-semialdehyde dehydrogenase deficiency (SSADHD). Also called: Succinic Semialdehyde Dehydrogenase Deficiency; SSADH DEFICIENCY; 4-HYDROXYBUTYRIC ACIDURIA; GABA METABOLIC DEFECT. Identifiers: Orphanet 22, MedGen C0268631, MONDO:0010083, OMIM 271980.

Submission:

Elsea Laboratory, Baylor College of Medicine
Classification: Pathogenic for Succinate-semialdehyde dehydrogenase deficiency. Last evaluated: 2021-03-08. Review status: criteria provided, single submitter. Criteria: Martin et al. (J Child Neurol. 2021). Collection method: curation. Allele origin: germline. Affected: yes.
Comment: NAD binding domain

Literature cited by the submitters: PubMed 23825041; PubMed 33203024.